The following is an entry in ClinVar:

ClinVar aggregate classification (germline): Uncertain significance (1 of 4 stars; one submission).

Allele frequency attached by ClinVar (database versions not stated): gnomAD 0.00001; TOPMed 0.00001; gnomAD exomes below 0.00001.
gnomAD v4.1: 16 of 1,614,082 alleles (0.00099%); highest among the groups gnomAD compares: Non-Finnish European, 0.0014%; no homozygotes.

Submission:

GeneDx
Classification: Uncertain significance. Last evaluated: 2022-02-15. Review status: criteria provided, single submitter. Criteria: GeneDx Variant Classification Process June 2021. Collection method: clinical testing. Allele origin: germline. Affected: yes.
Comment: Not observed at a significant frequency in large population cohorts (gnomAD); In silico analysis supports that this missense variant has a deleterious effect on protein structure/function; Has not been previously published as pathogenic or benign to our knowledge

NM_024417.5(FDXR):c.236G>A (p.Arg79His)

Gene: FDXR (ferredoxin reductase; minus strand). Cytogenetic location: 17q25.1.
Variant type: single nucleotide variant.
Coding change: c.236G>A on transcript NM_024417.5 (MANE Select); coding-DNA position 236, G replaced by A.
Protein change: p.Arg79His; replaces arginine 79 with histidine.
Molecular consequence: missense variant. On other transcripts: non-coding transcript variant (1).
Genome position (GRCh38, 1-based): chr17:74,866,818, C>T on the plus strand (G>A on the coding strand, the complement: FDXR is on the minus strand). VCF-style: chr17-74866818-C-T. GRCh37 (hg19) VCF-style: chr17-72862940-C-T.
Other names: c.365G>A, p.Arg122His (NM_001258012.4); c.329G>A, p.Arg110His (NM_001258013.4); c.236G>A, p.Arg79His (NM_001258014.4, NM_004110.6); c.239G>A, p.Arg80His (NM_001258015.3); c.80G>A, p.Arg27His (NM_001258016.3); short protein forms R110H, R122H, R27H, R79H, R80H.
Identifiers: ClinVar variation 1343029 (VCV001343029.2), dbSNP rs1302990152, ClinGen allele CA400975026.